The following is an entry in ClinVar:

ClinVar aggregate classification (germline): Uncertain significance (1 of 4 stars; one submission).

Conditions:
Charcot-Marie-Tooth disease axonal type 2O. Also called: CHARCOT-MARIE-TOOTH NEUROPATHY, AXONAL, TYPE 2O; CHARCOT-MARIE-TOOTH DISEASE, AXONAL, AUTOSOMAL DOMINANT, TYPE 2O; Charcot-Marie-Tooth disease, axonal, type 20; Charcot-Marie-Tooth Neuropathy Type 2O. Identifiers: Orphanet 284232, MedGen C3280220, MONDO:0013644, OMIM 614228.

Allele frequency attached by ClinVar (database versions not stated): gnomAD exomes below 0.00001.
gnomAD v4.1: 2 of 1,614,242 alleles (0.00012%); highest among the groups gnomAD compares: Admixed American, 0.0033%; no homozygotes.

Submission:

Labcorp Genetics (formerly Invitae), Labcorp
Classification: Uncertain significance for Charcot-Marie-Tooth disease axonal type 2O. Last evaluated: 2021-09-21. Review status: criteria provided, single submitter. Criteria: Invitae Variant Classification Sherloc (09022015). Collection method: clinical testing. Allele origin: germline.
Comment: In summary, the available evidence is currently insufficient to determine the role of this variant in disease. Therefore, it has been classified as a Variant of Uncertain Significance. Advanced modeling of protein sequence and biophysical properties (such as structural, functional, and spatial information, amino acid conservation, physicochemical variation, residue mobility, and thermodynamic stability) performed at Invitae indicates that this missense variant is not expected to disrupt DYNC1H1 protein function. This variant has not been reported in the literature in individuals affected with DYNC1H1-related conditions. This variant is not present in population databases (ExAC no frequency). This sequence change replaces lysine with asparagine at codon 4422 of the DYNC1H1 protein (p.Lys4422Asn). The lysine residue is highly conserved and there is a moderate physicochemical difference between lysine and asparagine.

NM_001376.5(DYNC1H1):c.13266G>C (p.Lys4422Asn)

Gene: DYNC1H1 (dynein cytoplasmic 1 heavy chain 1; plus strand). Cytogenetic location: 14q32.31.
Variant type: single nucleotide variant.
Coding change: c.13266G>C on transcript NM_001376.5 (MANE Select); coding-DNA position 13266, G replaced by C.
Protein change: p.Lys4422Asn; replaces lysine 4422 with asparagine.
Molecular consequence: missense variant.
Genome position (GRCh38, 1-based): chr14:102,048,563, G>C. VCF-style: chr14-102048563-G-C. GRCh37 (hg19) VCF-style: chr14-102514900-G-C.
Other names: short protein forms K4422N.
Identifiers: ClinVar variation 1449076 (VCV001449076.6), dbSNP rs1291353621, ClinGen allele CA391048015.